The following is an entry in ClinVar:

ClinVar aggregate classification (germline): Uncertain significance (1 of 4 stars; one submission).

Conditions:
Beckwith-Wiedemann syndrome (BWS). Also called: EMG SYNDROME; Exomphalos macroglossia gigantism syndrome. Identifiers: Orphanet 116, MedGen C0004903, MONDO:0007534, OMIM 130650.

Submission:

Labcorp Genetics (formerly Invitae), Labcorp
Classification: Uncertain significance for Beckwith-Wiedemann syndrome. Last evaluated: 2024-06-29. Review status: criteria provided, single submitter. Criteria: Invitae Variant Classification Sherloc (09022015). Collection method: clinical testing. Allele origin: germline.
Comment: This sequence change replaces alanine, which is neutral and non-polar, with aspartic acid, which is acidic and polar, at codon 159 of the CDKN1C protein (p.Ala159Asp). This variant is not present in population databases (gnomAD no frequency). This variant has not been reported in the literature in individuals affected with CDKN1C-related conditions. ClinVar contains an entry for this variant (Variation ID: 579726). Advanced modeling of protein sequence and biophysical properties (such as structural, functional, and spatial information, amino acid conservation, physicochemical variation, residue mobility, and thermodynamic stability) performed at Invitae indicates that this missense variant is not expected to disrupt CDKN1C protein function with a negative predictive value of 80%. In summary, the available evidence is currently insufficient to determine the role of this variant in disease. Therefore, it has been classified as a Variant of Uncertain Significance.

NM_001122630.2(CDKN1C):c.443C>A (p.Ala148Asp)

Gene: CDKN1C (cyclin dependent kinase inhibitor 1C; minus strand). Cytogenetic location: 11p15.4.
Variant type: single nucleotide variant.
Coding change: c.443C>A on transcript NM_001122630.2 (MANE Select); coding-DNA position 443, C replaced by A.
Protein change: p.Ala148Asp; replaces alanine 148 with aspartic acid.
Molecular consequence: missense variant. On other transcripts: intron variant (1).
Genome position (GRCh38, 1-based): chr11:2,885,014, G>T on the plus strand (C>A on the coding strand, the complement: CDKN1C is on the minus strand). VCF-style: chr11-2885014-G-T. GRCh37 (hg19) VCF-style: chr11-2906244-G-T.
Other names: c.476C>A, p.Ala159Asp (LRG_533t1, NM_000076.2, NM_001362474.2); c.443C>A, p.Ala148Asp (NM_001122631.2); c.255+188C>A (NM_001362475.2); short protein forms A159D, A148D.
Identifiers: ClinVar variation 579726 (VCV000579726.6), dbSNP rs372633, ClinGen allele CA379146625.